The following is an entry in ClinVar:

NM_170601.5(SIAE):c.1405G>A (p.Asp469Asn)

Gene: SIAE (sialic acid acetylesterase; minus strand). Cytogenetic location: 11q24.2.
Variant type: single nucleotide variant.
Coding change: c.1405G>A on transcript NM_170601.5 (MANE Select); coding-DNA position 1405, G replaced by A.
Protein change: p.Asp469Asn; replaces aspartic acid 469 with asparagine.
Molecular consequence: missense variant.
Genome position (GRCh38, 1-based): chr11:124,637,118, C>T on the plus strand (G>A on the coding strand, the complement: SIAE is on the minus strand). VCF-style: chr11-124637118-C-T. GRCh37 (hg19) VCF-style: chr11-124507014-C-T.
Other names: c.1300G>A, p.Asp434Asn (NM_001199922.2); short protein forms D434N, D469N.
Identifiers: ClinVar variation 1354781 (VCV001354781.6), dbSNP rs758718405, ClinGen allele CA6341181.
Genomic context (GRCh38, chr11:124,637,118, plus strand): 5'-ATTCACAAGGCCACGTGGTCCAAGCATAGCGGAGAGCAACCACAGTGCCATGACAAGAAT[C>T]GATCGCCAGGGTCAGGGACTGGGTGGAGACGGTGTTCATAGAAGCTGGAAGCCACTTGCA-3'
Protein context (NP_733746.1, residues 459-479): VSTQSLTLAI[Asp469Asn]SCHGTVVALR

ClinVar aggregate classification (germline): Uncertain significance (1 of 4 stars; one submission).

Allele frequency attached by ClinVar (database versions not stated): TOPMed 0.00002; ExAC 0.00003; gnomAD 0.00004; gnomAD exomes 0.00004.
gnomAD v4.1: 19 of 1,614,118 alleles (0.0012%); highest among the groups gnomAD compares: Admixed American, 0.017%; no homozygotes.

Submission:

Labcorp Genetics (formerly Invitae), Labcorp
Classification: Uncertain significance. Last evaluated: 2026-01-02. Review status: criteria provided, single submitter. Criteria: Invitae Variant Classification Sherloc (09022015). Collection method: clinical testing. Allele origin: germline.
Comment: This sequence change replaces aspartic acid, which is acidic and polar, with asparagine, which is neutral and polar, at codon 469 of the SIAE protein (p.Asp469Asn). This variant is present in population databases (rs758718405, gnomAD 0.02%). This variant has not been reported in the literature in individuals affected with SIAE-related conditions. ClinVar contains an entry for this variant (Variation ID: 1354781). An algorithm developed to predict the effect of missense changes on protein structure and function outputs the following: PolyPhen-2: "Benign". The asparagine amino acid residue is found in multiple mammalian species, which suggests that this missense change does not adversely affect protein function. In summary, the available evidence is currently insufficient to determine the role of this variant in disease. Therefore, it has been classified as a Variant of Uncertain Significance.